The following is an entry in ClinVar:

NM_017534.6(MYH2):c.2216G>A (p.Gly739Glu)

Genes: MYHAS (myosin heavy chain gene cluster antisense RNA; plus strand), MYH2 (myosin heavy chain 2; minus strand). Cytogenetic location: 17p13.1.
Variant type: single nucleotide variant.
Coding change: c.2216G>A on transcript NM_017534.6 (MANE Select); coding-DNA position 2216, G replaced by A.
Protein change: p.Gly739Glu; replaces glycine 739 with glutamic acid.
Molecular consequence: missense variant.
Genome position (GRCh38, 1-based): chr17:10,533,597, C>T on the plus strand (G>A on the coding strand, the complement: MYH2 is on the minus strand). VCF-style: chr17-10533597-C-T. GRCh37 (hg19) VCF-style: chr17-10436914-C-T.
Other names: c.2216G>A, p.Gly739Glu (NM_001100112.2); short protein forms G739E.
Identifiers: ClinVar variation 4291741 (VCV004291741.1).
Genomic context (GRCh38, chr17:10,533,597, plus strand): 5'-TGGTCAATGTCGATGGATGCAAGGAGCTTCTCAGAGGCCTTCTTGCTATCAATGAATTGC[C>T]CTTCAGGGATTGCACTTGCATTTAATACCTTGTATCTGTTGAAGTACATATAGCTTTTAA-3'
Protein context (NP_060004.3, residues 729-749): KVLNASAIPE[Gly739Glu]QFIDSKKASE

ClinVar aggregate classification (germline): Uncertain significance (1 of 4 stars; one submission).

Conditions:
Myopathy, proximal, and ophthalmoplegia (CMYO6). Also called: INCLUSION BODY MYOPATHY 3, AUTOSOMAL DOMINANT; CONGENITAL MYOPATHY 6 WITH OPHTHALMOPLEGIA; MYOPATHY WITH CONGENITAL JOINT CONTRACTURES, OPHTHALMOPLEGIA, AND RIMMED VACUOLES. Identifiers: Orphanet 363677, Orphanet 79091, MedGen C1854106, MONDO:0011577, OMIM 605637.

Submission:

3billion
Classification: Uncertain significance for Myopathy, proximal, and ophthalmoplegia. Last evaluated: 2025-02-28. Review status: criteria provided, single submitter. Criteria: ACMG Guidelines, 2015. Collection method: clinical testing. Allele origin: germline. Affected: yes.
Comment: The variant is not observed in the gnomAD v4.1.0 dataset. Predicted Consequence/Location: Missense variant. The majority of the known disease-causing variants of this gene are variants expected to result in premature termination of the protein. In silico tool predictions suggest damaging effect of the variant on gene or gene product [REVEL: 0.78 (>=0.6, sensitivity 0.68 and specificity 0.92)]. Therefore, this variant is classified as VUS according to the recommendation of ACMG/AMP guideline.